The following is an entry in ClinVar:

ClinVar aggregate classification (germline): Benign (0 of 4 stars; one submission).

Conditions:
ARHGAP32-related disorder. Also called: ARHGAP32-related condition.

Allele frequency attached by ClinVar (database versions not stated): gnomAD exomes 0.01295; ExAC 0.01747; 1000 Genomes Project 0.02196; gnomAD 0.02299; 1000 Genomes Project 30x 0.02374; TOPMed 0.02515; ESP Exome Variant Server 0.02909.
gnomAD v4.1: 22,686 of 1,614,162 alleles (1.4%); highest among the groups gnomAD compares: African/African-American, 5.4%; 319 homozygotes.

Submission:

PreventionGenetics, part of Exact Sciences
Classification: Benign for ARHGAP32-related condition. Last evaluated: 2019-10-14. Review status: no assertion criteria provided. Collection method: clinical testing. Allele origin: germline.
Comment: This variant is classified as benign based on ACMG/AMP sequence variant interpretation guidelines (Richards et al. 2015 PMID: 25741868, with internal and published modifications).

NM_001378024.1(ARHGAP32):c.2688C>T (p.Ser896=)

Gene: ARHGAP32 (Rho GTPase activating protein 32; minus strand). Cytogenetic location: 11q24.3.
Variant type: single nucleotide variant.
Coding change: c.2688C>T on transcript NM_001378024.1 (MANE Select); coding-DNA position 2688, C replaced by T.
Protein change: p.Ser896=; no amino-acid change (serine 896 retained).
Molecular consequence: synonymous variant.
Genome position (GRCh38, 1-based): chr11:128,974,509, G>A on the plus strand (C>T on the coding strand, the complement: ARHGAP32 is on the minus strand). VCF-style: chr11-128974509-G-A. GRCh37 (hg19) VCF-style: chr11-128844404-G-A.
Other names: c.2646C>T, p.Ser882= (NM_001142685.2); c.2526C>T, p.Ser842= (NM_001378025.1); c.1599C>T, p.Ser533= (NM_014715.4).
Identifiers: ClinVar variation 3056166 (VCV003056166.2), dbSNP rs35287114, ClinGen allele CA6358914.